The following is an entry in ClinVar:

NM_001365276.2(TNXB):c.5699C>G (p.Ser1900Cys)

Gene: TNXB (tenascin XB; minus strand). Cytogenetic location: 6p21.33.
Variant type: single nucleotide variant.
Coding change: c.5699C>G on transcript NM_001365276.2 (MANE Select); coding-DNA position 5699, C replaced by G.
Protein change: p.Ser1900Cys; replaces serine 1900 with cysteine.
Molecular consequence: missense variant.
Genome position (GRCh38, 1-based): chr6:32,069,025, G>C on the plus strand (C>G on the coding strand, the complement: TNXB is on the minus strand). VCF-style: chr6-32069025-G-C. GRCh37 (hg19) VCF-style: chr6-32036802-G-C.
Other names: c.6440C>G, p.Ser2147Cys (NM_001428335.1); c.5699C>G, p.Ser1900Cys (NM_019105.8); short protein forms S1900C, S2147C.
Identifiers: ClinVar variation 4072622 (VCV004072622.1).

ClinVar aggregate classification (germline): Uncertain significance (1 of 4 stars; one submission).

Submission:

GeneDx
Classification: Uncertain significance. Last evaluated: 2025-01-29. Review status: criteria provided, single submitter. Criteria: GeneDx Variant Classification Process June 2021. Collection method: clinical testing. Allele origin: germline. Affected: yes.
Comment: Not observed at significant frequency in large population cohorts (gnomAD); In silico analysis supports that this missense variant has a deleterious effect on protein structure/function; Has not been previously published as pathogenic or benign to our knowledge